The following is an entry in ClinVar:

NM_004863.4(SPTLC2):c.1128G>A (p.Thr376=)

Gene: SPTLC2 (serine palmitoyltransferase long chain base subunit 2; minus strand). Cytogenetic location: 14q24.3.
Variant type: single nucleotide variant.
Coding change: c.1128G>A on transcript NM_004863.4 (MANE Select); coding-DNA position 1128, G replaced by A.
Protein change: p.Thr376=; no amino-acid change (threonine 376 retained).
Molecular consequence: synonymous variant.
Genome position (GRCh38, 1-based): chr14:77,555,348, C>T on the plus strand (G>A on the coding strand, the complement: SPTLC2 is on the minus strand). VCF-style: chr14-77555348-C-T. GRCh37 (hg19) VCF-style: chr14-78021691-C-T.
Identifiers: ClinVar variation 314671 (VCV000314671.17), dbSNP rs773806229, ClinGen allele CA7289269.

ClinVar aggregate classification (germline): Benign/Likely benign. Review status: criteria provided, multiple submitters, no conflicts (2 of 4 stars). 3 submissions from 3 submitters: Benign (2); Likely benign (1). Last evaluated 2025-11-11.

Conditions:
Inborn genetic diseases. Identifiers: MedGen C0950123, MeSH D030342.
Neuropathy, hereditary sensory and autonomic, type 1C. Also called: HSAN IC; HSN IC. Identifiers: Orphanet 36386, MedGen C3150896, MONDO:0013337, OMIM 613640.

Allele frequency attached by ClinVar (database versions not stated): gnomAD exomes 0.00003 and 0.00013; gnomAD 0.00004 and 0.00005; TOPMed 0.00007; ExAC 0.00012.
gnomAD v4.1: 51 of 1,614,124 alleles (0.0032%); highest among the groups gnomAD compares: East Asian, 0.065%; no homozygotes.

Submissions (3):

Labcorp Genetics (formerly Invitae), Labcorp
Classification: Benign for Neuropathy, hereditary sensory and autonomic, type 1C. Last evaluated: 2025-11-11. Review status: criteria provided, single submitter. Criteria: Invitae Variant Classification Sherloc (09022015). Collection method: clinical testing. Allele origin: germline.

Ambry Genetics
Classification: Likely benign for Inborn genetic diseases. Last evaluated: 2019-07-11. Review status: criteria provided, single submitter. Criteria: Ambry Variant Classification Scheme 2023. Collection method: clinical testing. Allele origin: germline.

Illumina Laboratory Services, Illumina
Classification: Benign for Neuropathy, hereditary sensory and autonomic, type 1C. Last evaluated: 2018-01-13. Review status: criteria provided, single submitter. Criteria: ICSL Variant Classification Criteria 13 December 2019. Collection method: clinical testing. Allele origin: germline.
Comment: This variant was observed in the ICSL laboratory as part of a predisposition screen in an ostensibly healthy population. It had not been previously curated by ICSL or reported in the Human Gene Mutation Database (HGMD: prior to June 1st, 2018), and was therefore a candidate for classification through an automated scoring system. Utilizing variant allele frequency, disease prevalence and penetrance estimates, and inheritance mode, an automated score was calculated to assess if this variant is too frequent to cause the disease. Based on the score and internal cut-off values, a variant classified as benign is not then subjected to further curation. The score for this variant resulted in a classification of benign for this disease.